The following is an entry in ClinVar:

NM_000748.3(CHRNB2):c.1423A>C (p.Ile475Leu)

Gene: CHRNB2 (cholinergic receptor nicotinic beta 2 subunit; plus strand). Cytogenetic location: 1q21.3.
Variant type: single nucleotide variant.
Coding change: c.1423A>C on transcript NM_000748.3 (MANE Select); coding-DNA position 1423, A replaced by C.
Protein change: p.Ile475Leu; replaces isoleucine 475 with leucine.
Molecular consequence: missense variant.
Genome position (GRCh38, 1-based): chr1:154,575,846, A>C. VCF-style: chr1-154575846-A-C. GRCh37 (hg19) VCF-style: chr1-154548322-A-C.
Other names: c.1423A>C (NM_000748.2); short protein forms I475L.
Identifiers: ClinVar variation 806222 (VCV000806222.47), dbSNP rs202135710, ClinGen allele CA30837468.

ClinVar aggregate classification (germline): Uncertain significance. Review status: criteria provided, multiple submitters, no conflicts (2 of 4 stars). 3 submissions from 3 submitters: Uncertain significance (3). Last evaluated 2024-07-31.

Conditions:
Inborn genetic diseases. Identifiers: MedGen C0950123, MeSH D030342.
Familial sleep-related hypermotor epilepsy. Also called: Autosomal Dominant Sleep-Related Hypermotor (Hyperkinetic) Epilepsy. Identifiers: Orphanet 98784, MedGen C3696898, MONDO:0000030.

Allele frequency attached by ClinVar (database versions not stated): gnomAD 0.00001; TOPMed 0.00002.
gnomAD v4.1: 34 of 1,614,018 alleles (0.0021%); highest among the groups gnomAD compares: Admixed American, 0.0033%; no homozygotes.

Submissions (3):

Ambry Genetics
Classification: Uncertain significance for Inborn genetic diseases. Last evaluated: 2024-07-31. Review status: criteria provided, single submitter. Criteria: Ambry Variant Classification Scheme 2023. Collection method: clinical testing. Allele origin: germline.

Labcorp Genetics (formerly Invitae), Labcorp
Classification: Uncertain significance. Last evaluated: 2024-01-19. Review status: criteria provided, single submitter. Criteria: Invitae Variant Classification Sherloc (09022015). Collection method: clinical testing. Allele origin: germline.
Comment: This sequence change replaces isoleucine, which is neutral and non-polar, with leucine, which is neutral and non-polar, at codon 475 of the CHRNB2 protein (p.Ile475Leu). This variant is present in population databases (rs202135710, gnomAD 0.003%). This variant has not been reported in the literature in individuals affected with CHRNB2-related conditions. ClinVar contains an entry for this variant (Variation ID: 806222). Advanced modeling of protein sequence and biophysical properties (such as structural, functional, and spatial information, amino acid conservation, physicochemical variation, residue mobility, and thermodynamic stability) performed at Invitae indicates that this missense variant is not expected to disrupt CHRNB2 protein function with a negative predictive value of 80%. In summary, the available evidence is currently insufficient to determine the role of this variant in disease. Therefore, it has been classified as a Variant of Uncertain Significance.

CeGaT Center for Human Genetics Tuebingen
Classification: Uncertain significance. Last evaluated: 2018-08-01. Review status: criteria provided, single submitter. Criteria: CeGaT Center For Human Genetics Tuebingen Variant Classification Criteria Version 2. Collection method: clinical testing. Allele origin: germline. Affected: yes. Observed: 1 variant allele.